The following is an entry in ClinVar:

ClinVar aggregate classification (germline): Uncertain significance. Review status: criteria provided, multiple submitters, no conflicts (2 of 4 stars). 2 submissions from 2 submitters: Uncertain significance (2). Last evaluated 2025-08-29.

Conditions:
Inborn genetic diseases. Identifiers: MedGen C0950123, MeSH D030342.

Allele frequency attached by ClinVar (database versions not stated): gnomAD 0.00001 and 0.00003; gnomAD exomes 0.00001 and 0.00007; TOPMed 0.00004; ExAC 0.00006; 1000 Genomes Project 30x 0.00016; 1000 Genomes Project 0.00020.
gnomAD v4.1: 27 of 1,614,152 alleles (0.0017%); highest among the groups gnomAD compares: East Asian, 0.042%; no homozygotes.

Submissions (2):

Labcorp Genetics (formerly Invitae), Labcorp
Classification: Uncertain significance. Last evaluated: 2025-08-29. Review status: criteria provided, single submitter. Criteria: Invitae Variant Classification Sherloc (09022015). Collection method: clinical testing. Allele origin: germline.
Comment: This sequence change replaces alanine, which is neutral and non-polar, with threonine, which is neutral and polar, at codon 683 of the ADAMTS17 protein (p.Ala683Thr). This variant is present in population databases (rs370008488, gnomAD 0.09%). This variant has not been reported in the literature in individuals affected with ADAMTS17-related conditions. ClinVar contains an entry for this variant (Variation ID: 1446306). An algorithm developed to predict the effect of missense changes on protein structure and function (PolyPhen-2) suggests that this variant is likely to be tolerated. In summary, the available evidence is currently insufficient to determine the role of this variant in disease. Therefore, it has been classified as a Variant of Uncertain Significance.

Ambry Genetics
Classification: Uncertain significance for Inborn genetic diseases. Last evaluated: 2023-12-11. Review status: criteria provided, single submitter. Criteria: Ambry Variant Classification Scheme 2023. Collection method: clinical testing. Allele origin: germline.

NM_139057.4(ADAMTS17):c.2047G>A (p.Ala683Thr)

Gene: ADAMTS17 (ADAM metallopeptidase with thrombospondin type 1 motif 17; minus strand). Cytogenetic location: 15q26.3.
Variant type: single nucleotide variant.
Coding change: c.2047G>A on transcript NM_139057.4 (MANE Select); coding-DNA position 2047, G replaced by A.
Protein change: p.Ala683Thr; replaces alanine 683 with threonine.
Molecular consequence: missense variant.
Genome position (GRCh38, 1-based): chr15:100,096,446, C>T on the plus strand (G>A on the coding strand, the complement: ADAMTS17 is on the minus strand). VCF-style: chr15-100096446-C-T. GRCh37 (hg19) VCF-style: chr15-100636651-C-T.
Other names: c.2047G>A (NM_139057.2); short protein forms A683T.
Identifiers: ClinVar variation 1446306 (VCV001446306.7), dbSNP rs370008488, ClinGen allele CA7757909.